The following is an entry in ClinVar:

ClinVar aggregate classification (germline): Uncertain significance (1 of 4 stars; one submission).

Conditions:
Vitamin B2 deficiency. Identifiers: MedGen C0035528.

Submission:

Labcorp Genetics (formerly Invitae), Labcorp
Classification: Uncertain significance for Vitamin B2 deficiency. Last evaluated: 2021-12-14. Review status: criteria provided, single submitter. Criteria: Invitae Variant Classification Sherloc (09022015). Collection method: clinical testing. Allele origin: germline.
Comment: In summary, the available evidence is currently insufficient to determine the role of this variant in disease. Therefore, it has been classified as a Variant of Uncertain Significance. Experimental studies and prediction algorithms are not available or were not evaluated, and the functional significance of this variant is currently unknown. This variant has not been reported in the literature in individuals affected with SLC52A1-related conditions. This variant is not present in population databases (gnomAD no frequency). This variant, c.733_735del, results in the deletion of 1 amino acid(s) of the SLC52A1 protein (p.Lys245del), but otherwise preserves the integrity of the reading frame.

NM_017986.4(SLC52A1):c.733_735del (p.Lys245del)

Gene: SLC52A1 (solute carrier family 52 member 1; minus strand). Cytogenetic location: 17p13.2.
Variant type: Deletion.
Coding change: c.733_735del on transcript NM_017986.4 (MANE Select); coding-DNA positions 733 to 735, 3 bases deleted (AAG; older notation c.733_735delAAG).
Protein change: p.Lys245del; deletes lysine 245.
Molecular consequence: inframe deletion.
Genome position (GRCh38, 1-based): chr17:5,033,754-5,033,756, CTT deleted on the plus strand (AAG on the coding strand, the reverse complement: SLC52A1 is on the minus strand); deleting any 3 consecutive bases within chr17:5,033,754-5,033,758 gives the same sequence; the c. name uses the placement nearest the transcript's 3' end. VCF-style (leftmost placement, unchanged base first): chr17-5033753-CCTT-C. GRCh37 (hg19) VCF-style: chr17-4937048-CCTT-C.
Other names: c.733_735del, p.Lys245del (NM_001104577.2); short protein forms K245del.
Identifiers: ClinVar variation 1946586 (VCV001946586.5), dbSNP rs2508258224, ClinGen allele CA2580093532.